The following is an entry in ClinVar:

ClinVar aggregate classification (germline): Uncertain significance (1 of 4 stars; one submission).

Conditions:
Hereditary cancer-predisposing syndrome. Also called: Neoplastic Syndromes, Hereditary; Tumor predisposition; Hereditary neoplastic syndrome; Hereditary Cancer Syndrome. Identifiers: Orphanet 140162, MedGen C0027672, MeSH D009386, MONDO:0015356.

gnomAD v4.1: 3 of 1,613,832 alleles (0.00019%); highest among the groups gnomAD compares: Non-Finnish European, 0.00025%; no homozygotes.

Submission:

Ambry Genetics
Classification: Uncertain significance for Hereditary cancer-predisposing syndrome. Last evaluated: 2026-08-15. Review status: criteria provided, single submitter. Criteria: Ambry Variant Classification Scheme 2023. Collection method: clinical testing. Allele origin: germline.
Comment: The p.S402P variant (also known as c.1204T>C), located in coding exon 8 of the MEN1 gene, results from a T to C substitution at nucleotide position 1204. The serine at codon 402 is replaced by proline, an amino acid with similar properties. This amino acid position is conserved. In addition, this alteration is predicted to be deleterious by in silico analysis. Based on the available evidence, the clinical significance of this variant remains unclear.

NM_001370259.2(MEN1):c.1204T>C (p.Ser402Pro)

Gene: MEN1 (menin 1; minus strand). Cytogenetic location: 11q13.1.
Variant type: single nucleotide variant.
Coding change: c.1204T>C on transcript NM_001370259.2 (MANE Select); coding-DNA position 1204, T replaced by C.
Protein change: p.Ser402Pro; replaces serine 402 with proline.
Molecular consequence: missense variant. On other transcripts: non-coding transcript variant (4), intron variant (1).
Genome position (GRCh38, 1-based): chr11:64,805,180, A>G on the plus strand (T>C on the coding strand, the complement: MEN1 is on the minus strand). VCF-style: chr11-64805180-A-G. GRCh37 (hg19) VCF-style: chr11-64572652-A-G.
Other names: c.1219T>C, p.Ser407Pro (NM_130803.3, NM_130804.3, NM_000244.4 and 4 more transcripts); c.1186-364T>C (NM_001407152.1); c.1330T>C, p.Ser444Pro (NM_001370251.2, NM_001407142.1, NM_001407143.1 and 1 more transcripts); c.1204T>C, p.Ser402Pro (NM_001370260.2, NM_001370261.2, NM_001407146.1 and 2 more transcripts); c.1099T>C, p.Ser367Pro (NM_001370262.2, NM_001370263.2, NM_001407148.1 and 1 more transcripts); c.1345T>C, p.Ser449Pro (NM_001407150.1); c.1225T>C, p.Ser409Pro (NM_001407151.1); short protein forms S402P, S409P, S407P, S444P, S449P, S367P.
Identifiers: ClinVar variation 5024304 (VCV005024304.1).
Genomic context (GRCh38, chr11:64,805,180, plus strand): 5'-TGCAGATGCCGTCGTAGAATCGCAGCAGGTGGGCGAAGCACTCAGGGTCCTGGAGGGCGG[A>G]ACCTTGGCTCTGGGTGCCCTGGACGAGGGGGAAGGGAGGGCACAGATCAGTCTCTTACTC-3'
Protein context (NP_001357188.2, residues 392-412): EQSQGTQSQG[Ser402Pro]ALQDPECFAH